The following is an entry in ClinVar:

NM_004656.4(BAP1):c.908C>T (p.Ala303Val)

Gene: BAP1 (BRCA1 associated deubiquitinase 1; minus strand). Cytogenetic location: 3p21.1.
Variant type: single nucleotide variant.
Coding change: c.908C>T on transcript NM_004656.4 (MANE Select); coding-DNA position 908, C replaced by T.
Protein change: p.Ala303Val; replaces alanine 303 with valine.
Molecular consequence: missense variant.
Genome position (GRCh38, 1-based): chr3:52,405,788, G>A on the plus strand (C>T on the coding strand, the complement: BAP1 is on the minus strand). VCF-style: chr3-52405788-G-A. GRCh37 (hg19) VCF-style: chr3-52439804-G-A.
Other names: short protein forms A303V.
Identifiers: ClinVar variation 346122 (VCV000346122.22), dbSNP rs753460994, ClinGen allele CA2436975.

ClinVar aggregate classification (germline): Conflicting classifications of pathogenicity. Review status: criteria provided, conflicting classifications (1 of 4 stars). 5 submissions from 5 submitters: Uncertain significance (4); Likely benign (1). Last evaluated 2023-12-05.

Conditions:
Hereditary cancer-predisposing syndrome. Also called: Neoplastic Syndromes, Hereditary; Tumor predisposition; Hereditary neoplastic syndrome; Hereditary Cancer Syndrome. Identifiers: Orphanet 140162, MedGen C0027672, MeSH D009386, MONDO:0015356.
BAP1-related tumor predisposition syndrome (TPDS1). Also called: Tumor susceptibility linked to germline BAP1 mutations; BAP1 tumor predisposition syndrome; TUMOR PREDISPOSITION SYNDROME 1; COMMON Syndrome. Identifiers: Orphanet 289539, MedGen C3280492, MONDO:0013692, OMIM 614327.

Allele frequency attached by ClinVar (database versions not stated): gnomAD exomes below 0.00001; ExAC 0.00001.

Submissions (5):

Color Diagnostics, LLC DBA Color Health
Classification: Uncertain significance for Hereditary cancer-predisposing syndrome. Last evaluated: 2023-12-05. Review status: criteria provided, single submitter. Criteria: ACMG Guidelines, 2015. Collection method: clinical testing. Allele origin: germline.
Comment: This missense variant replaces alanine with valine at codon 303 of the BAP1 protein. Computational prediction suggests that this variant may not impact protein structure and function (internally defined REVEL score threshold <= 0.5, PMID: 27666373). To our knowledge, functional studies have not been reported for this variant. This variant has not been reported in individuals affected with BAP1-related disorders in the literature. This variant has been identified in 1/251194 chromosomes in the general population by the Genome Aggregation Database (gnomAD). The available evidence is insufficient to determine the role of this variant in disease conclusively. Therefore, this variant is classified as a Variant of Uncertain Significance.

GeneDx
Classification: Uncertain significance. Last evaluated: 2023-10-31. Review status: criteria provided, single submitter. Criteria: GeneDx Variant Classification Process June 2021. Collection method: clinical testing. Allele origin: germline. Affected: yes.
Comment: Not observed at significant frequency in large population cohorts (gnomAD); In silico analysis supports that this missense variant does not alter protein structure/function; Has not been previously published as pathogenic or benign to our knowledge

Labcorp Genetics (formerly Invitae), Labcorp
Classification: Uncertain significance for BAP1-related tumor predisposition syndrome. Last evaluated: 2022-06-13. Review status: criteria provided, single submitter. Criteria: Invitae Variant Classification Sherloc (09022015). Collection method: clinical testing. Allele origin: germline.
Comment: This sequence change replaces alanine, which is neutral and non-polar, with valine, which is neutral and non-polar, at codon 303 of the BAP1 protein (p.Ala303Val). In summary, the available evidence is currently insufficient to determine the role of this variant in disease. Therefore, it has been classified as a Variant of Uncertain Significance. Algorithms developed to predict the effect of missense changes on protein structure and function output the following: SIFT: "Tolerated"; PolyPhen-2: "Benign"; Align-GVGD: "Class C0". The valine amino acid residue is found in multiple mammalian species, which suggests that this missense change does not adversely affect protein function. ClinVar contains an entry for this variant (Variation ID: 346122). This variant has not been reported in the literature in individuals affected with BAP1-related conditions. This variant is present in population databases (rs753460994, gnomAD 0.006%).

Ambry Genetics
Classification: Likely benign for Hereditary cancer-predisposing syndrome. Last evaluated: 2018-02-23. Review status: criteria provided, single submitter. Criteria: Ambry Variant Classification Scheme 2023. Collection method: clinical testing. Allele origin: germline.

Illumina Laboratory Services, Illumina
Classification: Uncertain significance for BAP1-related tumor predisposition syndrome. Last evaluated: 2018-01-12. Review status: criteria provided, single submitter. Criteria: ICSL Variant Classification Criteria 13 December 2019. Collection method: clinical testing. Allele origin: germline.